The following is an entry in ClinVar:

NM_001395413.1(POR):c.1239+10_1239+33del

Gene: POR (cytochrome p450 oxidoreductase; plus strand). Cytogenetic location: 7q11.23.
Variant type: Deletion.
Coding change: c.1239+10_1239+33del on transcript NM_001395413.1 (MANE Select); bases 10 to 33 of the intron after coding-DNA position 1239, 24 bases deleted (CTCAGCCCCCGCAACCTCCGCCCC).
Molecular consequence: intron variant.
Genome position (GRCh38, 1-based): chr7:75,984,968-75,984,991, CTCAGCCCCCGCAACCTCCGCCCC deleted; deleting any 24 consecutive bases within chr7:75,984,962-75,984,991 gives the same sequence; the c. name uses the placement nearest the transcript's 3' end. VCF-style (leftmost placement, unchanged base first): chr7-75984961-GCGCCCCCTCAGCCCCCGCAACCTC-G. GRCh37 (hg19) VCF-style: chr7-75614279-GCGCCCCCTCAGCCCCCGCAACCTC-G.
Other names: c.1239+10_1239+33del (NM_001382662.3, NM_001382659.3, NM_001367562.3 and 2 more transcripts); c.1293+10_1293+33del (NM_001382655.3).
Identifiers: ClinVar variation 516263 (VCV000516263.11), dbSNP rs782146699, ClinGen allele CA4304040.

ClinVar aggregate classification (germline): Benign/Likely benign. Review status: criteria provided, multiple submitters, no conflicts (2 of 4 stars). 3 submissions from 3 submitters: Benign (1); Likely benign (2). Last evaluated 2026-01-28.

Conditions:
Congenital adrenal hyperplasia due to cytochrome P450 oxidoreductase deficiency. Also called: DISORDERED STEROIDOGENESIS DUE TO POR DEFICIENCY. Identifiers: Orphanet 95699, MedGen C1860042, MONDO:0013310, OMIM 613571.

Submissions (3):

Labcorp Genetics (formerly Invitae), Labcorp
Classification: Benign for Congenital adrenal hyperplasia due to cytochrome P450 oxidoreductase deficiency. Last evaluated: 2026-01-28. Review status: criteria provided, single submitter. Criteria: Invitae Variant Classification Sherloc (09022015). Collection method: clinical testing. Allele origin: germline.

Blueprint Genetics
Classification: Likely benign. Last evaluated: 2024-10-24. Review status: criteria provided, single submitter. Criteria: ACMG Guidelines, 2015. Collection method: clinical testing. Allele origin: germline.

GeneDx
Classification: Likely benign. Last evaluated: 2017-11-30. Review status: criteria provided, single submitter. Criteria: GeneDx Variant Classification (06012015). Collection method: clinical testing. Allele origin: germline. Affected: yes.
Comment: This variant is considered likely benign or benign based on one or more of the following criteria: it is a conservative change, it occurs at a poorly conserved position in the protein, it is predicted to be benign by multiple in silico algorithms, and/or has population frequency not consistent with disease.